The following is an entry in ClinVar:

NM_005918.4(MDH2):c.916G>C (p.Gly306Arg)

Gene: MDH2 (malate dehydrogenase 2; plus strand). Cytogenetic location: 7q11.23.
Variant type: single nucleotide variant.
Coding change: c.916G>C on transcript NM_005918.4 (MANE Select); coding-DNA position 916, G replaced by C.
Protein change: p.Gly306Arg; replaces glycine 306 with arginine.
Molecular consequence: missense variant.
Genome position (GRCh38, 1-based): chr7:76,066,309, G>C. VCF-style: chr7-76066309-G-C. GRCh37 (hg19) VCF-style: chr7-75695627-G-C.
Other names: c.790G>C, p.Gly264Arg (NM_001282403.2); c.595G>C, p.Gly199Arg (NM_001282404.2); short protein forms G199R, G264R, G306R.
Identifiers: ClinVar variation 3225222 (VCV003225222.1), dbSNP rs373968974, ClinGen allele CA367769745.

ClinVar aggregate classification (germline): Uncertain significance (1 of 4 stars; one submission).

Conditions:
Inborn genetic diseases. Identifiers: MedGen C0950123, MeSH D030342.

Submission:

Ambry Genetics
Classification: Uncertain significance for Inborn genetic diseases. Last evaluated: 2024-02-25. Review status: criteria provided, single submitter. Criteria: Ambry Variant Classification Scheme 2023. Collection method: clinical testing. Allele origin: germline.
Comment: The p.G306R variant (also known as c.916G>C), located in coding exon 9 of the MDH2 gene, results from a G to C substitution at nucleotide position 916. The glycine at codon 306 is replaced by arginine, an amino acid with dissimilar properties. This amino acid position is conserved. In addition, this alteration is predicted to be deleterious by in silico analysis. Based on the available evidence, the clinical significance of this alteration remains unclear.